The following is an entry in ClinVar:

NM_006393.3(NEBL):c.2849T>C (p.Met950Thr)

Gene: NEBL (nebulette; minus strand). Cytogenetic location: 10p12.31.
Variant type: single nucleotide variant.
Coding change: c.2849T>C on transcript NM_006393.3 (MANE Select); coding-DNA position 2849, T replaced by C.
Protein change: p.Met950Thr; replaces methionine 950 with threonine.
Molecular consequence: missense variant.
Genome position (GRCh38, 1-based): chr10:20,787,221, A>G on the plus strand (T>C on the coding strand, the complement: NEBL is on the minus strand). VCF-style: chr10-20787221-A-G. GRCh37 (hg19) VCF-style: chr10-21076150-A-G.
Other names: c.617T>C, p.Met206Thr (NM_001173484.2, NM_213569.2); c.710T>C, p.Met237Thr (NM_001377322.1); c.569T>C, p.Met190Thr (NM_001377323.1); c.560T>C, p.Met187Thr (NM_001377324.1); c.551T>C, p.Met184Thr (NM_001377325.1); c.509T>C, p.Met170Thr (NM_001377326.1, NM_001377327.1, NM_001377328.1); short protein forms M170T, M190T, M950T, M184T, M187T, M206T, M237T.
Identifiers: ClinVar variation 841060 (VCV000841060.10), dbSNP rs1835493262, ClinGen allele CA376092433.

ClinVar aggregate classification (germline): Uncertain significance (1 of 4 stars; one submission).

Conditions:
Primary dilated cardiomyopathy (DCM). Also called: Dilated Cardiomyopathy. Identifiers: Orphanet 217604, MedGen C0007193, MeSH D002311, MONDO:0005021, HP:0001644. Inheritance: Various modes of inheritance.

Submission:

Labcorp Genetics (formerly Invitae), Labcorp
Classification: Uncertain significance for Primary dilated cardiomyopathy. Last evaluated: 2019-01-14. Review status: criteria provided, single submitter. Criteria: Invitae Variant Classification Sherloc (09022015). Collection method: clinical testing. Allele origin: germline.
Comment: In summary, the available evidence is currently insufficient to determine the role of this variant in disease. Therefore, it has been classified as a Variant of Uncertain Significance. Algorithms developed to predict the effect of missense changes on protein structure and function (SIFT, PolyPhen-2, Align-GVGD) all suggest that this variant is likely to be tolerated, but these predictions have not been confirmed by published functional studies and their clinical significance is uncertain. This sequence change replaces methionine with threonine at codon 950 of the NEBL protein (p.Met950Thr). The methionine residue is weakly conserved and there is a moderate physicochemical difference between methionine and threonine. This variant is not present in population databases (ExAC no frequency). This variant has not been reported in the literature in individuals with NEBL-related conditions.